The following is an entry in ClinVar:

ClinVar aggregate classification (germline): Uncertain significance (1 of 4 stars; one submission).

Submission:

Labcorp Genetics (formerly Invitae), Labcorp
Classification: Uncertain significance. Last evaluated: 2025-07-06. Review status: criteria provided, single submitter. Criteria: Invitae Variant Classification Sherloc (09022015). Collection method: clinical testing. Allele origin: germline.
Comment: This sequence change replaces phenylalanine, which is neutral and non-polar, with leucine, which is neutral and non-polar, at codon 241 of the GNMT protein (p.Phe241Leu). This variant is present in population databases (rs751703741, gnomAD 0.006%). This variant has not been reported in the literature in individuals affected with GNMT-related conditions. Invitae Evidence Modeling of protein sequence and biophysical properties (such as structural, functional, and spatial information, amino acid conservation, physicochemical variation, residue mobility, and thermodynamic stability) indicates that this missense variant is not expected to disrupt GNMT protein function with a negative predictive value of 80%. In summary, the available evidence is currently insufficient to determine the role of this variant in disease. Therefore, it has been classified as a Variant of Uncertain Significance.

NM_018960.6(GNMT):c.721T>C (p.Phe241Leu)

Genes: CNPY3-GNMT (CNPY3-GNMT readthrough; plus strand), GNMT (glycine N-methyltransferase; plus strand). Cytogenetic location: 6p21.1.
Variant type: single nucleotide variant.
Coding change: c.721T>C on transcript NM_018960.6 (MANE Select); coding-DNA position 721, T replaced by C.
Protein change: p.Phe241Leu; replaces phenylalanine 241 with leucine.
Molecular consequence: missense variant. On other transcripts: non-coding transcript variant (4).
Genome position (GRCh38, 1-based): chr6:42,963,539, T>C. VCF-style: chr6-42963539-T-C. GRCh37 (hg19) VCF-style: chr6-42931277-T-C.
Other names: c.523T>C, p.Phe175Leu (NM_001318856.2); c.538T>C, p.Phe180Leu (NM_001318857.2); c.430T>C, p.Phe144Leu (NM_001318858.2); c.664T>C, p.Phe222Leu (NM_001318865.2); short protein forms F241L, F222L, F144L, F180L, F175L.
Identifiers: ClinVar variation 4708503 (VCV004708503.1).